The following is an entry in ClinVar:

ClinVar aggregate classification (germline): Uncertain significance (1 of 4 stars; one submission).

Submission:

Labcorp Genetics (formerly Invitae), Labcorp
Classification: Uncertain significance. Last evaluated: 2023-12-22. Review status: criteria provided, single submitter. Criteria: Invitae Variant Classification Sherloc (09022015). Collection method: clinical testing. Allele origin: germline.
Comment: This sequence change replaces serine, which is neutral and polar, with cysteine, which is neutral and slightly polar, at codon 284 of the MSH3 protein (p.Ser284Cys). This variant is not present in population databases (gnomAD no frequency). This variant has not been reported in the literature in individuals affected with MSH3-related conditions. ClinVar contains an entry for this variant (Variation ID: 1060012). An algorithm developed to predict the effect of missense changes on protein structure and function (PolyPhen-2) suggests that this variant is likely to be disruptive. In summary, the available evidence is currently insufficient to determine the role of this variant in disease. Therefore, it has been classified as a Variant of Uncertain Significance.

NM_002439.5(MSH3):c.850A>T (p.Ser284Cys)

Gene: MSH3 (mutS homolog 3; plus strand). Cytogenetic location: 5q14.1.
Variant type: single nucleotide variant.
Coding change: c.850A>T on transcript NM_002439.5 (MANE Select); coding-DNA position 850, A replaced by T.
Protein change: p.Ser284Cys; replaces serine 284 with cysteine.
Molecular consequence: missense variant.
Genome position (GRCh38, 1-based): chr5:80,672,301, A>T. VCF-style: chr5-80672301-A-T. GRCh37 (hg19) VCF-style: chr5-79968120-A-T.
Other names: short protein forms S284C.
Identifiers: ClinVar variation 1060012 (VCV001060012.9), dbSNP rs1340481317, ClinGen allele CA360267177.